The following is an entry in ClinVar:

ClinVar aggregate classification (germline): Uncertain significance. Review status: criteria provided, multiple submitters, no conflicts (2 of 4 stars). 3 submissions from 3 submitters: Uncertain significance (2). 1 of the submissions does not count toward it. Last evaluated 2023-03-21.

Conditions:
Hereditary nonpolyposis colorectal neoplasms. Identifiers: MedGen C0009405, MeSH D003123.
Hereditary cancer-predisposing syndrome. Also called: Hereditary neoplastic syndrome; Neoplastic Syndromes, Hereditary; Hereditary Cancer Syndrome; Tumor predisposition. Identifiers: Orphanet 140162, MedGen C0027672, MeSH D009386, MONDO:0015356.

Submissions (3):

Ambry Genetics
Classification: Uncertain significance for Hereditary cancer-predisposing syndrome. Last evaluated: 2023-03-21. Review status: criteria provided, single submitter. Criteria: Ambry Variant Classification Scheme 2023. Collection method: clinical testing. Allele origin: germline.
Comment: The p.P800L variant (also known as c.2399C>T), located in coding exon 14 of the PMS2 gene, results from a C to T substitution at nucleotide position 2399. The proline at codon 800 is replaced by leucine, an amino acid with similar properties. This amino acid position is highly conserved in available vertebrate species. In addition, this alteration is predicted to be deleterious by in silico analysis. Since supporting evidence is limited at this time, the clinical significance of this alteration remains unclear.

Labcorp Genetics (formerly Invitae), Labcorp
Classification: Uncertain significance for Hereditary nonpolyposis colorectal neoplasms. Last evaluated: 2018-12-06. Review status: criteria provided, single submitter. Criteria: Invitae Variant Classification Sherloc (09022015). Collection method: clinical testing. Allele origin: germline.
Comment: This sequence change replaces proline with leucine at codon 800 of the PMS2 protein (p.Pro800Leu). The proline residue is highly conserved and there is a moderate physicochemical difference between proline and leucine. The frequency data for this variant in the population databases (rs200629542, ExAC) is considered unreliable due to the presence of homologous sequence, such as pseudogenes or paralogs, in the genome. This variant has not been reported in the literature in individuals with PMS2-related disease. ClinVar contains an entry for this variant (Variation ID: 41712). Algorithms developed to predict the effect of missense changes on protein structure and function (SIFT, PolyPhen-2, Align-GVGD) all suggest that this variant is likely to be disruptive, but these predictions have not been confirmed by published functional studies and their clinical significance is uncertain. In summary, the available evidence is currently insufficient to determine the role of this variant in disease. Therefore, it has been classified as a Variant of Uncertain Significance.

Biesecker Lab/Clinical Genomics Section, National Institutes of Health
Classification: Uncertain significance. Last evaluated: 2012-07-13. Review status: no assertion criteria provided. Collection method: research. Allele origin: germline. Affected: no. Observed: 1 variant allele. Study: ClinSeq. Not counted in ClinVar's aggregate classification.
ClinVar note: Converted during submission from variant of unknown significance to Uncertain significance.

NM_000535.7(PMS2):c.2399C>T (p.Pro800Leu)

Gene: PMS2 (PMS1 homolog 2, mismatch repair system component; minus strand). Cytogenetic location: 7p22.1.
Variant type: single nucleotide variant.
Coding change: c.2399C>T on transcript NM_000535.7 (MANE Select); coding-DNA position 2399, C replaced by T.
Protein change: p.Pro800Leu; replaces proline 800 with leucine.
Molecular consequence: missense variant. On other transcripts: non-coding transcript variant (1).
Genome position (GRCh38, 1-based): chr7:5,977,634, G>A on the plus strand (C>T on the coding strand, the complement: PMS2 is on the minus strand). VCF-style: chr7-5977634-G-A. GRCh37 (hg19) VCF-style: chr7-6017265-G-A.
Other names: c.1994C>T, p.Pro665Leu (NM_001322003.2, NM_001322004.2, NM_001322005.2); c.2243C>T, p.Pro748Leu (NM_001322006.2); c.2081C>T, p.Pro694Leu (NM_001322007.2, NM_001322008.2); c.2027C>T, p.Pro676Leu (NM_001322009.2); c.1838C>T, p.Pro613Leu (NM_001322010.2); c.1466C>T, p.Pro489Leu (NM_001322011.2, NM_001322012.2); c.1826C>T, p.Pro609Leu (NM_001322013.2); c.2432C>T, p.Pro811Leu (NM_001322014.2); and 1 more; short protein forms P800L, P676L, P697L, P748L, P489L, P609L, P665L, P694L.
Identifiers: ClinVar variation 41712 (VCV000041712.12), dbSNP rs200629542, ClinGen allele CA011432.